The following is an entry in ClinVar:

NM_001371727.1(GABRB2):c.845T>C (p.Val282Ala)

Gene: GABRB2 (gamma-aminobutyric acid type A receptor subunit beta2; minus strand). Cytogenetic location: 5q34.
Variant type: single nucleotide variant.
Coding change: c.845T>C on transcript NM_001371727.1 (MANE Select); coding-DNA position 845, T replaced by C.
Protein change: p.Val282Ala; replaces valine 282 with alanine.
Molecular consequence: missense variant.
Genome position (GRCh38, 1-based): chr5:161,331,115, A>G on the plus strand (T>C on the coding strand, the complement: GABRB2 is on the minus strand). VCF-style: chr5-161331115-A-G. GRCh37 (hg19) VCF-style: chr5-160758122-A-G.
Other names: c.845T>C, p.Val282Ala (NM_000813.3, NM_021911.3); short protein forms V282A.
Identifiers: ClinVar variation 265165 (VCV000265165.2), dbSNP rs886039374, ClinGen allele CA10588396.
Genomic context (GRCh38, chr5:161,331,115, plus strand): 5'-ACATAGGGGATTTTAGGGAGAGTTTCCCGGAGGTGGGTGTTGATTGTGGTCATTGTGAGG[A>G]CAGTTGTGATTCCTGAAAAAAAATGGGAGAGTTAGAGTAATAATGTTCCTATCTCTTTTC-3'
Protein context (NP_001358656.1, residues 272-292): AARVALGITT[Val282Ala]LTMTTINTHL

ClinVar aggregate classification (germline): Pathogenic (1 of 4 stars; one submission).

Submission:

GeneDx
Classification: Pathogenic. Last evaluated: 2017-08-18. Review status: criteria provided, single submitter. Criteria: GeneDx Variant Classification (06012015). Collection method: clinical testing. Allele origin: germline. Affected: yes.
Comment: The V282A variant in the GABRB2 gene has not been reported previously as a pathogenic variant, nor as a benign variant, to our knowledge. The V282A variant is not observed in large population cohorts (Lek et al., 2016). The V282A variant is a conservative amino acid substitution, which occurs at a position that is conserved across species. In silico analysis predicts this variant is probably damaging to the protein structure/function. We interpret V282A as a pathogenic variant consistent with the clinical features reported in this individual.